The following is an entry in ClinVar:

NM_001482.3(GATM):c.519A>G (p.Ile173Met)

Gene: GATM (glycine amidinotransferase; minus strand). Cytogenetic location: 15q21.1.
Variant type: single nucleotide variant.
Coding change: c.519A>G on transcript NM_001482.3 (MANE Select); coding-DNA position 519, A replaced by G.
Protein change: p.Ile173Met; replaces isoleucine 173 with methionine.
Molecular consequence: missense variant.
Genome position (GRCh38, 1-based): chr15:45,368,226, T>C on the plus strand (A>G on the coding strand, the complement: GATM is on the minus strand). VCF-style: chr15-45368226-T-C. GRCh37 (hg19) VCF-style: chr15-45660424-T-C.
Other names: p.I173M:ATA>ATG; c.132A>G, p.Ile44Met (NM_001321015.2); short protein forms I173M, I44M.
Identifiers: ClinVar variation 205614 (VCV000205614.3), dbSNP rs796052534, ClinGen allele CA314870.
Genomic context (GRCh38, chr15:45,368,226, plus strand): 5'-GTACTCAAAGAAGCGTGAACGCCATGCCATGGGAGCCTCGATAATCTCATTGCCCACAAC[T>C]ATCAGGATGTCTCGAGGCATTGCACTGTATAAACCTGTCAGACCAAAAAATTCCATGACA-3'
Protein context (NP_001473.1, residues 163-183): LYSAMPRDIL[Ile173Met]VVGNEIIEAP

ClinVar aggregate classification (germline): Uncertain significance. Review status: criteria provided, multiple submitters, no conflicts (2 of 4 stars). 2 submissions from 2 submitters: Uncertain significance (2). Last evaluated 2024-05-03.

Conditions:
Arginine:glycine amidinotransferase deficiency (CCDS3). Also called: AGAT deficiency; L-Arginine:Glycine Amidinotransferase (AGAT) Deficiency; Cerebral creatine deficiency syndrome 3; L-Arginine:Glycine Amidinotransferase Deficiency; Creatine deficiency syndrome due to AGAT deficiency; GATM deficiency. Identifiers: Orphanet 35704, MedGen C2675179, MONDO:0012996, OMIM 612718.
Fanconi renotubular syndrome 1. Also called: FRTS1; Toni-Debre-Fanconi syndrome; Neonatal De Toni-Debre-Fanconi syndrome; De Toni-Fanconi syndrome; LUDER-SHELDON SYNDROME. Identifiers: MedGen C4551503, MONDO:0024525, OMIM 134600.

Allele frequency attached by ClinVar (database versions not stated): gnomAD exomes below 0.00001.

Submissions (2):

Fulgent Genetics
Classification: Uncertain significance for Fanconi renotubular syndrome 1; Arginine:glycine amidinotransferase deficiency. Last evaluated: 2024-05-03. Review status: criteria provided, single submitter. Criteria: ACMG Guidelines, 2015. Collection method: clinical testing. Allele origin: germline.

GeneDx
Classification: Uncertain significance. Last evaluated: 2012-08-10. Review status: criteria provided, single submitter. Criteria: GeneDx Variant Classification (06012015). Collection method: clinical testing. Allele origin: germline. Affected: yes.
Comment: p.Ile173Met (ATA>ATG):c.519 A>G in exon 4 of the GATM gene (NM_001482.2). The Ile173Met missense change has not been published as a mutation, nor has it been reported as a benign polymorphism to our knowledge. The NHLBI ESP Exome Variant Project has not identified Ile173Met in approximately 6,500 individuals of European or African American ethnicity, indicating that it is not a common benign variant in these populations. The amino acid substitution is conservative, as both Isoleucine and Methionine are uncharged, non-polar amino acid. Ile173Met alters a position that is not well conserved, and multiple in silico models predict Ile173Met is likely benign. The information available at this time suggests that this variant is likely non-pathogenic; however, the possibility that it is a disease-associated mutation cannot be excluded. The variant is found in CHILD-EPI panel(s).